The following is an entry in ClinVar:

NM_015047.3(EMC1):c.694G>C (p.Glu232Gln)

Genes: EMC1 (ER membrane protein complex subunit 1; minus strand), EMC1-AS1 (EMC1 antisense RNA 1; plus strand). Cytogenetic location: 1p36.13.
Variant type: single nucleotide variant.
Coding change: c.694G>C on transcript NM_015047.3 (MANE Select); coding-DNA position 694, G replaced by C.
Protein change: p.Glu232Gln; replaces glutamic acid 232 with glutamine.
Molecular consequence: missense variant. On other transcripts: non-coding transcript variant (1).
Genome position (GRCh38, 1-based): chr1:19,240,389, C>G on the plus strand (G>C on the coding strand, the complement: EMC1 is on the minus strand). VCF-style: chr1-19240389-C-G. GRCh37 (hg19) VCF-style: chr1-19566883-C-G.
Other names: c.694G>C, p.Glu232Gln (NM_001271427.2, NM_001271428.2, NM_001375820.1 and 1 more transcripts); c.628G>C, p.Glu210Gln (NM_001271429.2); short protein forms E232Q, E210Q.
Identifiers: ClinVar variation 4760838 (VCV004760838.1).
Genomic context (GRCh38, chr1:19,240,389, plus strand): 5'-TCTCCAGAGCCAAAGTTTGGAGGGAACGTGAGCTCGGGTCAGGACACACCAGGACAGCCT[C>G]ATCCACCACACCACAGGCTCCAGACAGGTGCTGCAGCCACGGAGTTGAAACCCTAACCTA-3'
Protein context (NP_055862.1, residues 222-242): HLSGACGVVD[Glu232Gln]AVLVCPDPSS

ClinVar aggregate classification (germline): Uncertain significance (1 of 4 stars; one submission).

gnomAD v4.1: 3 of 1,614,106 alleles (0.00019%); highest among the groups gnomAD compares: Non-Finnish European, 0.00025%; no homozygotes.

Submission:

Labcorp Genetics (formerly Invitae), Labcorp
Classification: Uncertain significance. Last evaluated: 2025-12-01. Review status: criteria provided, single submitter. Criteria: Invitae Variant Classification Sherloc (09022015). Collection method: clinical testing. Allele origin: germline.
Comment: This sequence change replaces glutamic acid, which is acidic and polar, with glutamine, which is neutral and polar, at codon 232 of the EMC1 protein (p.Glu232Gln). This variant is not present in population databases (gnomAD no frequency). This variant has not been reported in the literature in individuals affected with EMC1-related conditions. Invitae Evidence Modeling of protein sequence and biophysical properties (such as structural, functional, and spatial information, amino acid conservation, physicochemical variation, residue mobility, and thermodynamic stability) indicates that this missense variant is not expected to disrupt EMC1 protein function with a negative predictive value of 80%. In summary, the available evidence is currently insufficient to determine the role of this variant in disease. Therefore, it has been classified as a Variant of Uncertain Significance.